The following is an entry in ClinVar:

NM_006015.6(ARID1A):c.775G>C (p.Ala259Pro)

Genes: ARID1A (AT-rich interaction domain 1A; plus strand), LOC129929837 (ATAC-STARR-seq lymphoblastoid silent region 489; plus strand). Cytogenetic location: 1p36.11.
Variant type: single nucleotide variant.
Coding change: c.775G>C on transcript NM_006015.6 (MANE Select); coding-DNA position 775, G replaced by C.
Protein change: p.Ala259Pro; replaces alanine 259 with proline.
Molecular consequence: missense variant.
Genome position (GRCh38, 1-based): chr1:26,697,178, G>C. VCF-style: chr1-26697178-G-C. GRCh37 (hg19) VCF-style: chr1-27023669-G-C.
Other names: c.775G>C, p.Ala259Pro (NM_139135.4); short protein forms A259P.
Identifiers: ClinVar variation 3681784 (VCV003681784.2).

ClinVar aggregate classification (germline): Uncertain significance (1 of 4 stars; one submission).

gnomAD v4.1: 1 of 1,430,560 alleles (0.00007%); highest among the groups gnomAD compares: Non-Finnish European, 0.000091%; no homozygotes.

Submission:

Labcorp Genetics (formerly Invitae), Labcorp
Classification: Uncertain significance. Last evaluated: 2024-05-11. Review status: criteria provided, single submitter. Criteria: Invitae Variant Classification Sherloc (09022015). Collection method: clinical testing. Allele origin: germline.
Comment: This sequence change replaces alanine, which is neutral and non-polar, with proline, which is neutral and non-polar, at codon 259 of the ARID1A protein (p.Ala259Pro). This variant is not present in population databases (gnomAD no frequency). This variant has not been reported in the literature in individuals affected with ARID1A-related conditions. Advanced modeling of protein sequence and biophysical properties (such as structural, functional, and spatial information, amino acid conservation, physicochemical variation, residue mobility, and thermodynamic stability) performed at Invitae indicates that this missense variant is not expected to disrupt ARID1A protein function with a negative predictive value of 95%. In summary, the available evidence is currently insufficient to determine the role of this variant in disease. Therefore, it has been classified as a Variant of Uncertain Significance.